The following is an entry in ClinVar:

NM_001451.2(FOXF1):c.(?_15)_(*58_?)del

Gene: FOXF1 (forkhead box F1; plus strand). Cytogenetic location: 16q24.1.
Variant type: Deletion.
Coding change: c.(?_15)_(*58_?)del on transcript NM_001451.2; a large deletion whose breakpoints are not mapped to the base.
Other names: c.(?_15)_(*58_?)del (NM_001451.2).
Identifiers: ClinVar variation 228348 (VCV000228348.4).

ClinVar aggregate classification (germline): Pathogenic (1 of 4 stars; one submission).

Conditions:
Idiopathic and/or familial pulmonary arterial hypertension. Identifiers: Orphanet 422, MedGen C5679820, MONDO:0008347.

Submission:

Laboratory for Molecular Medicine, Mass General Brigham Personalized Medicine
Classification: Pathogenic for Idiopathic and/or familial pulmonary arterial hypertension. Last evaluated: 2015-10-26. Review status: criteria provided, single submitter. Criteria: LMM Criteria. Collection method: clinical testing. Allele origin: germline. Observed: 1 variant allele.
Comment: The c.(?_15)_(*58_?)del variant results in a deletion of the entire FOXF1 gene. Deletions of FOXF1 have been reported in 9 individuals with alveolar capillary d ysplasia with misalignment of pulmonary veins (ACD/MPV; Stankiewicz 2009, Yu 201 0, Szafranski 2013). The deletion occurred de novo in all individuals where pare ntal testing was available (n=7), which strongly supports pathogenicity due to h eterozygous loss of function. This disease mechanism is further supported by >1 0 additional deletions of an essential regulatory region and a large number of n onsense and frameshift variants (all of which were reported to have occurred de novo; reviewed by Sen 2013) combined with complete absence of this type of varia nt in the general population (Exome Aggregation Consortium (ExAC). Of note, deletions of FOXF1 have been reported in 3 ostensibl y healthy controls (Shaikh 2009. Conrad 2010). However, all deletions reported in affected individuals have arisen on the maternal allele, suggesting a parent-of-origin effect which may explain the presence of FOXF1 del etions in controls. In summary, this variant meets our criteria to be classified as pathogenic for ACD/MPV in an autosomal dominant manner based upon its predic ted impact to the protein and multiple de novo occurrences.

Literature cited by the submitters: PubMed 23074687; PubMed 22766610; PubMed 23505205; PubMed 26462560; PubMed 19812545; PubMed 19592680; PubMed 23943206; PubMed 19500772; PubMed 23034409; PubMed 20425831; PubMed 23335808; PubMed 24842713.